The following is an entry in ClinVar:

ClinVar aggregate classification (germline): Uncertain significance (1 of 4 stars; one submission).

Submission:

GeneDx
Classification: Uncertain significance. Last evaluated: 2025-03-27. Review status: criteria provided, single submitter. Criteria: GeneDx Variant Classification Process June 2021. Collection method: clinical testing. Allele origin: germline. Affected: yes.
Comment: Not observed at significant frequency in large population cohorts (gnomAD); In silico analysis indicates that this missense variant does not alter protein structure/function; Has not been previously published as pathogenic or benign to our knowledge

NM_014927.5(CNKSR2):c.1035T>G (p.Ser345Arg)

Gene: CNKSR2 (connector enhancer of kinase suppressor of Ras 2; plus strand). Cytogenetic location: Xp22.12.
Variant type: single nucleotide variant.
Coding change: c.1035T>G on transcript NM_014927.5 (MANE Select); coding-DNA position 1035, T replaced by G.
Protein change: p.Ser345Arg; replaces serine 345 with arginine.
Molecular consequence: missense variant.
Genome position (GRCh38, 1-based): chrX:21,526,944, T>G. VCF-style: chrX-21526944-T-G. GRCh37 (hg19) VCF-style: chrX-21545062-T-G.
Other names: c.1035T>G, p.Ser345Arg (NM_001168647.3, NM_001168648.3, NM_001330773.2); c.888T>G, p.Ser296Arg (NM_001168649.3, NM_001330770.2, NM_001330771.2 and 1 more transcripts); short protein forms S296R, S345R.
Identifiers: ClinVar variation 4278722 (VCV004278722.1).